The following is an entry in ClinVar:

ClinVar aggregate classification (germline): Conflicting classifications of pathogenicity. Review status: criteria provided, conflicting classifications (1 of 4 stars). 4 submissions from 4 submitters: Uncertain significance (2); Benign (1); Likely benign (1). Last evaluated 2026-06-25.

Conditions:
XIAP-related disorder. Also called: XIAP-related condition.
Autoinflammatory syndrome. Identifiers: Orphanet 93665, MedGen C3890737, MONDO:0019751.
X-linked lymphoproliferative disease due to XIAP deficiency. Also called: XIAP DEFICIENCY; XIAP-Related Lymphoproliferative Disease, X-Linked. Identifiers: Orphanet 2442, Orphanet 538934, MedGen C1845076, MONDO:0010385, OMIM 300635.

Allele frequency attached by ClinVar (database versions not stated): gnomAD exomes 0.00003 and 0.00013; gnomAD 0.00006 and 0.00007; TOPMed 0.00006; ExAC 0.00011; 1000 Genomes Project 30x 0.00021; 1000 Genomes Project 0.00026.
gnomAD v4.1: 50 of 1,203,266 alleles (0.0042%); highest among the groups gnomAD compares: East Asian, 0.1%; no homozygotes.

Submissions (4):

PreventionGenetics, part of Exact Sciences
Classification: Uncertain significance for XIAP-related condition. Last evaluated: 2026-06-25. Review status: criteria provided, single submitter. Criteria: ACMG Guidelines, 2015. Collection method: clinical testing. Allele origin: germline.
Comment: The XIAP c.1100A>G variant is predicted to result in the amino acid substitution p.Asp367Gly. This variant was reported in two individuals with lymphoproliferative syndrome (Yang et al. 2021. PubMed ID: 34920033). This variant is reported in 0.16% of alleles in individuals of East Asian descent in gnomAD. At this time, the clinical significance of this variant is uncertain due to the absence of conclusive functional and genetic evidence.

Labcorp Genetics (formerly Invitae), Labcorp
Classification: Benign for X-linked lymphoproliferative disease due to XIAP deficiency. Last evaluated: 2025-04-07. Review status: criteria provided, single submitter. Criteria: Invitae Variant Classification Sherloc (09022015). Collection method: clinical testing. Allele origin: germline.

Genome Diagnostics Laboratory, The Hospital for Sick Children
Classification: Uncertain significance for Autoinflammatory syndrome. Last evaluated: 2018-06-01. Review status: criteria provided, single submitter. Criteria: ACMG Guidelines, 2015. Collection method: clinical testing. Allele origin: germline. Affected: yes.

Illumina Laboratory Services, Illumina
Classification: Likely benign for X-linked lymphoproliferative disease due to XIAP deficiency. Last evaluated: 2017-04-27. Review status: criteria provided, single submitter. Criteria: ICSL Variant Classification Criteria 13 December 2019. Collection method: clinical testing. Allele origin: germline.
Comment: This variant was observed as part of a predisposition screen in an ostensibly healthy population. A literature search was performed for the gene, cDNA change, and amino acid change (where applicable). Publications were found based on this search. The evidence from the literature, in combination with allele frequency data from public databases where available, was sufficient to determine this variant is unlikely to cause disease. Therefore, this variant is classified as likely benign.

Literature cited by the submitters: PubMed 23944711 (cited by Illumina Laboratory Services, Illumina).

NM_001167.4(XIAP):c.1100A>G (p.Asp367Gly)

Gene: XIAP (X-linked inhibitor of apoptosis; plus strand). Cytogenetic location: Xq25.
Variant type: single nucleotide variant.
Coding change: c.1100A>G on transcript NM_001167.4 (MANE Select); coding-DNA position 1100, A replaced by G.
Protein change: p.Asp367Gly; replaces aspartic acid 367 with glycine.
Molecular consequence: missense variant. On other transcripts: non-coding transcript variant (2).
Genome position (GRCh38, 1-based): chrX:123,900,493, A>G. VCF-style: chrX-123900493-A-G. GRCh37 (hg19) VCF-style: chrX-123034343-A-G.
Other names: c.1100A>G, p.Asp367Gly (NM_001204401.2, NM_001378590.1, NM_001378591.1 and 1 more transcripts); short protein forms D367G.
Identifiers: ClinVar variation 367795 (VCV000367795.15), dbSNP rs200273554, ClinGen allele CA10508144.